The following is an entry in ClinVar:

ClinVar aggregate classification (germline): Uncertain significance. Review status: criteria provided, multiple submitters, no conflicts (2 of 4 stars). 2 submissions from 2 submitters: Uncertain significance (2). Last evaluated 2024-05-11.

Conditions:
Primary familial hypertrophic cardiomyopathy (HCM). Identifiers: Orphanet 99739, MedGen C0949658, MeSH D024741, MONDO:0024573. Inheritance: Various modes of inheritance.

Allele frequency attached by ClinVar (database versions not stated): gnomAD exomes 0.00001; TOPMed 0.00001.
gnomAD v4.1: 9 of 1,614,072 alleles (0.00056%); highest among the groups gnomAD compares: Non-Finnish European, 0.00076%; no homozygotes.

Submissions (2):

Ambry Genetics
Classification: Uncertain significance. Last evaluated: 2024-05-11. Review status: criteria provided, single submitter. Criteria: Ambry Variant Classification Scheme 2023. Collection method: clinical testing. Allele origin: germline.
Comment: The p.V50A variant (also known as c.149T>C), located in coding exon 2 of the ILK gene, results from a T to C substitution at nucleotide position 149. The valine at codon 50 is replaced by alanine, an amino acid with similar properties. This amino acid position is conserved. In addition, the in silico prediction for this alteration is inconclusive. Since supporting evidence is limited at this time, the clinical significance of this alteration remains unclear.

Labcorp Genetics (formerly Invitae), Labcorp
Classification: Uncertain significance for Primary familial hypertrophic cardiomyopathy. Last evaluated: 2023-12-11. Review status: criteria provided, single submitter. Criteria: Invitae Variant Classification Sherloc (09022015). Collection method: clinical testing. Allele origin: germline.
Comment: This sequence change replaces valine, which is neutral and non-polar, with alanine, which is neutral and non-polar, at codon 50 of the ILK protein (p.Val50Ala). This variant is present in population databases (no rsID available, gnomAD 0.002%). This variant has not been reported in the literature in individuals affected with ILK-related conditions. ClinVar contains an entry for this variant (Variation ID: 1773967). An algorithm developed to predict the effect of missense changes on protein structure and function (PolyPhen-2) suggests that this variant is likely to be disruptive. In summary, the available evidence is currently insufficient to determine the role of this variant in disease. Therefore, it has been classified as a Variant of Uncertain Significance.

NM_004517.4(ILK):c.149T>C (p.Val50Ala)

Genes: ILK (integrin linked kinase; plus strand), TAF10 (TATA-box binding protein associated factor 10; minus strand). Cytogenetic location: 11p15.4.
Variant type: single nucleotide variant.
Coding change: c.149T>C on transcript NM_004517.4 (MANE Select); coding-DNA position 149, T replaced by C.
Protein change: p.Val50Ala; replaces valine 50 with alanine.
Molecular consequence: missense variant. On other transcripts: 3 prime UTR variant (1), intron variant (1).
Genome position (GRCh38, 1-based): chr11:6,608,105, T>C. VCF-style: chr11-6608105-T-C. GRCh37 (hg19) VCF-style: chr11-6629335-T-C.
Other names: c.149T>C, p.Val50Ala (NM_001014794.3, NM_001014795.3, NM_001278441.2); c.*2817A>G (NM_006284.4); c.-147-289T>C (NM_001278442.2); short protein forms V50A.
Identifiers: ClinVar variation 1773967 (VCV001773967.6), dbSNP rs1299706614, ClinGen allele CA379454693.